The following is an entry in ClinVar:

NM_181486.4(TBX5):c.29T>G (p.Leu10Arg)

Gene: TBX5 (T-box transcription factor 5; minus strand). Cytogenetic location: 12q24.21.
Variant type: single nucleotide variant.
Coding change: c.29T>G on transcript NM_181486.4 (MANE Select); coding-DNA position 29, T replaced by G.
Protein change: p.Leu10Arg; replaces leucine 10 with arginine.
Molecular consequence: missense variant. On other transcripts: intron variant (1).
Genome position (GRCh38, 1-based): chr12:114,403,870, A>C on the plus strand (T>G on the coding strand, the complement: TBX5 is on the minus strand). VCF-style: chr12-114403870-A-C. GRCh37 (hg19) VCF-style: chr12-114841675-A-C.
Other names: c.29T>G, p.Leu10Arg (NM_000192.3); c.-3-1950T>G (NM_080717.4); short protein forms L10R.
Identifiers: ClinVar variation 2761756 (VCV002761756.4), dbSNP rs1872009251, ClinGen allele CA386863651.

ClinVar aggregate classification (germline): Uncertain significance. Review status: criteria provided, multiple submitters, no conflicts (2 of 4 stars). 2 submissions from 2 submitters: Uncertain significance (2). Last evaluated 2026-05-26.

Conditions:
TBX5-related disorder. Also called: TBX5-related condition.
Aortic valve disease 2 (AOVD2). Identifiers: MedGen C3542024, MONDO:0013902, OMIM 614823.

Allele frequency attached by ClinVar (database versions not stated): gnomAD exomes below 0.00001.
gnomAD v4.1: 1 of 1,613,580 alleles (0.000062%); highest among the groups gnomAD compares: Admixed American, 0.0017%; no homozygotes.

Submissions (2):

PreventionGenetics, part of Exact Sciences
Classification: Uncertain significance for TBX5-related condition. Last evaluated: 2026-05-26. Review status: criteria provided, single submitter. Criteria: ACMG Guidelines, 2015. Collection method: clinical testing. Allele origin: germline.
Comment: The TBX5 c.29T>G variant is predicted to result in the amino acid substitution p.Leu10Arg. This variant has been reported in an individual with sudden unexpected infant death (Table S6, Bard et al. 2024. PubMed ID: 38895864). This variant has not been reported in a large population database (gnomAD), indicating this variant is rare. At this time, the clinical significance of this variant is uncertain due to the absence of conclusive functional and genetic evidence.

Labcorp Genetics (formerly Invitae), Labcorp
Classification: Uncertain significance for Aortic valve disease 2. Last evaluated: 2025-07-07. Review status: criteria provided, single submitter. Criteria: Invitae Variant Classification Sherloc (09022015). Collection method: clinical testing. Allele origin: germline.
Comment: This sequence change replaces leucine, which is neutral and non-polar, with arginine, which is basic and polar, at codon 10 of the TBX5 protein (p.Leu10Arg). This variant is not present in population databases (gnomAD no frequency). This variant has not been reported in the literature in individuals affected with TBX5-related conditions. ClinVar contains an entry for this variant (Variation ID: 2761756). Invitae Evidence Modeling of protein sequence and biophysical properties (such as structural, functional, and spatial information, amino acid conservation, physicochemical variation, residue mobility, and thermodynamic stability) indicates that this missense variant is not expected to disrupt TBX5 protein function with a negative predictive value of 95%. In summary, the available evidence is currently insufficient to determine the role of this variant in disease. Therefore, it has been classified as a Variant of Uncertain Significance.